The following is an entry in ClinVar:

ClinVar aggregate classification (germline): Uncertain significance. Review status: criteria provided, multiple submitters, no conflicts (2 of 4 stars). 3 submissions from 3 submitters: Uncertain significance (3). Last evaluated 2026-07-23.

Conditions:
Pheochromocytoma/paraganglioma syndrome 4. Also called: PARAGANGLIOMA, FAMILIAL MALIGNANT; PARAGANGLIOMAS, HEREDITARY EXTRAADRENAL; PHEOCHROMOCYTOMA, FAMILIAL EXTRAADRENAL; Paragangliomas 4; SDHB-Related Hereditary Paraganglioma-Pheochromocytoma Syndrome (Paragangliomas 4); SDHB-Related Hereditary Paraganglioma-Pheochromocytoma Syndrome. Identifiers: Orphanet 29072, MedGen C1861848, MONDO:0007273, OMIM 115310.
Gastrointestinal stromal tumor. Also called: Gastrointestinal stroma tumor; Gastrointestinal stromal tumor, somatic. Identifiers: Orphanet 44890, MedGen C0238198, MeSH D046152, MONDO:0011719, OMIM 606764, HP:0100723.
Pheochromocytoma. Also called: MAX-Related Hereditary Paraganglioma-Pheochromocytoma Syndrome. Identifiers: Orphanet 29072, MedGen C0031511, MONDO:0008233, OMIM 171300, HP:0002666.
Hereditary cancer-predisposing syndrome. Also called: Tumor predisposition; Hereditary neoplastic syndrome; Neoplastic Syndromes, Hereditary; Hereditary Cancer Syndrome. Identifiers: Orphanet 140162, MedGen C0027672, MeSH D009386, MONDO:0015356.

Allele frequency attached by ClinVar (database versions not stated): gnomAD exomes below 0.00001.

Submissions (3):

Ambry Genetics
Classification: Uncertain significance for Hereditary cancer-predisposing syndrome. Last evaluated: 2026-07-23. Review status: criteria provided, single submitter. Criteria: Ambry Variant Classification Scheme 2023. Collection method: clinical testing. Allele origin: germline.
Comment: The p.Y134C variant (also known as c.401A>G), located in coding exon 4 of the SDHB gene, results from an A to G substitution at nucleotide position 401. The tyrosine at codon 134 is replaced by cysteine, an amino acid with highly dissimilar properties. This amino acid position is conserved. In addition, this alteration is predicted to be deleterious by in silico analysis. Based on the available evidence, the clinical significance of this variant remains unclear.

Blueprint Genetics
Classification: Uncertain significance. Last evaluated: 2024-10-08. Review status: criteria provided, single submitter. Criteria: ACMG Guidelines, 2015. Collection method: clinical testing. Allele origin: germline.

Labcorp Genetics (formerly Invitae), Labcorp
Classification: Uncertain significance for Gastrointestinal stromal tumor; Pheochromocytoma/paraganglioma syndrome 4; Pheochromocytoma. Last evaluated: 2024-05-20. Review status: criteria provided, single submitter. Criteria: Invitae Variant Classification Sherloc (09022015). Collection method: clinical testing. Allele origin: germline.
Comment: This sequence change replaces tyrosine, which is neutral and polar, with cysteine, which is neutral and slightly polar, at codon 134 of the SDHB protein (p.Tyr134Cys). This variant is not present in population databases (gnomAD no frequency). This variant has not been reported in the literature in individuals affected with SDHB-related conditions. ClinVar contains an entry for this variant (Variation ID: 859728). Advanced modeling of protein sequence and biophysical properties (such as structural, functional, and spatial information, amino acid conservation, physicochemical variation, residue mobility, and thermodynamic stability) performed at Invitae indicates that this missense variant is expected to disrupt SDHB protein function with a positive predictive value of 80%. In summary, the available evidence is currently insufficient to determine the role of this variant in disease. Therefore, it has been classified as a Variant of Uncertain Significance.

NM_003000.3(SDHB):c.401A>G (p.Tyr134Cys)

Gene: SDHB (succinate dehydrogenase complex iron sulfur subunit B; minus strand). Cytogenetic location: 1p36.13.
Variant type: single nucleotide variant.
Coding change: c.401A>G on transcript NM_003000.3 (MANE Select); coding-DNA position 401, A replaced by G.
Protein change: p.Tyr134Cys; replaces tyrosine 134 with cysteine.
Molecular consequence: missense variant.
Genome position (GRCh38, 1-based): chr1:17,028,622, T>C on the plus strand (A>G on the coding strand, the complement: SDHB is on the minus strand). VCF-style: chr1-17028622-T-C. GRCh37 (hg19) VCF-style: chr1-17355117-T-C.
Other names: short protein forms Y134C.
Identifiers: ClinVar variation 859728 (VCV000859728.10), dbSNP rs200893429, ClinGen allele CA18666569.
Genomic context (GRCh38, chr1:17,028,622, plus strand): 5'-GCAAATAAAAACAAAACCAGAGAGATGCAGAAACTCACGGGAACAAGATCCTTTATCACA[T>C]ACATGTGTGGAAGAGGGTAGATTTTTGAGACCTTATTGAGGTTGGTGTCAATCCTTCGGG-3'
Protein context (NP_002991.2, residues 124-144): VSKIYPLPHM[Tyr134Cys]VIKDLVPDLS